The following is an entry in ClinVar:

ClinVar aggregate classification (germline): Uncertain significance. Review status: criteria provided, multiple submitters, no conflicts (2 of 4 stars). 3 submissions from 3 submitters: Uncertain significance (3). Last evaluated 2026-09-06.

Conditions:
TTN-related disorder. Also called: TTN-related condition; TTN-related disease; TTN-related disorders.

Allele frequency attached by ClinVar (database versions not stated): TOPMed 0.00002; ExAC 0.00003; gnomAD 0.00004 and 0.00005; ESP Exome Variant Server 0.00017.

Submissions (3):

PreventionGenetics, part of Exact Sciences
Classification: Uncertain significance for TTN-related condition. Last evaluated: 2026-09-06. Review status: criteria provided, single submitter. Criteria: ACMG Guidelines, 2015. Collection method: clinical testing. Allele origin: germline.
Comment: The TTN c.39649G>T variant is predicted to result in the amino acid substitution p.Val13217Phe. To our knowledge, this variant has not been reported in the literature. This variant is reported in 0.0073% of alleles in individuals of European (Non-Finnish) descent in gnomAD. At this time, the clinical significance of this variant is uncertain due to the absence of conclusive functional and genetic evidence.

CeGaT Center for Human Genetics Tuebingen
Classification: Uncertain significance. Last evaluated: 2025-02-01. Review status: criteria provided, single submitter. Criteria: CeGaT Center For Human Genetics Tuebingen Variant Classification Criteria Version 2. Collection method: clinical testing. Allele origin: germline. Affected: yes. Observed: 1 variant allele.
Comment: TTN: PM2, BP4

GeneDx
Classification: Uncertain significance. Last evaluated: 2014-02-21. Review status: criteria provided, single submitter. Criteria: GeneDx Variant Classification (06012015). Collection method: clinical testing. Allele origin: germline. Affected: yes.
Comment: Missense variants in the TTN gene are considered 'unclassified' if they are not previously reported in the literature and do not have >1% frequency in the population to be considered a polymorphism. Research indicates that truncating mutations in the TTN gene are expected to account for approximately 25% of familial and 18% of sporadic idiopathic DCM; however, truncating variants in the TTN gene have been reported in approximately 3% of reported control alleles. There has been little investigation into non-truncating variants. (Herman D et al. Truncations of titin causing dilated cardiomyopathy. N Eng J Med 366:619-628, 2012) The variant is found in DCM-CRDM panel(s).

NM_001267550.2(TTN):c.39649G>T (p.Val13217Phe)

Gene: TTN (titin; minus strand). Cytogenetic location: 2q31.2.
Variant type: single nucleotide variant.
Coding change: c.39649G>T on transcript NM_001267550.2 (MANE Select); coding-DNA position 39649, G replaced by T.
Protein change: p.Val13217Phe; replaces valine 13217 with phenylalanine.
Molecular consequence: missense variant. On other transcripts: intron variant (3).
Genome position (GRCh38, 1-based): chr2:178,650,811, C>A on the plus strand (G>T on the coding strand, the complement: TTN is on the minus strand). VCF-style: chr2-178650811-C-A. GRCh37 (hg19) VCF-style: chr2-179515538-C-A.
Other names: p.V11710F:GTC>TTC; c.35128G>T, p.Val11710Phe (NM_001256850.1); c.32347G>T, p.Val10783Phe (NM_133378.4); c.13283-8494G>T (NM_003319.4); c.13859-8494G>T (NM_133437.4); c.13658-8494G>T (NM_133432.3); short protein forms V11710F, V13217F, V10783F.
Identifiers: ClinVar variation 202605 (VCV000202605.16), dbSNP rs371284928, ClinGen allele CA309727.